The following is an entry in ClinVar:

ClinVar aggregate classification (germline): Pathogenic. Review status: reviewed by expert panel (3 of 4 stars). 8 submissions from 8 submitters: Pathogenic (1). 7 of the submissions do not count toward it. Last evaluated 2022-04-10.

Conditions:
HNF1A-related disorder. Also called: HNF1A-related condition.
Monogenic diabetes. Identifiers: Orphanet 183625, MedGen C3888631, MONDO:0015967.
Maturity-onset diabetes of the young (MODY). Also called: Maturity onset diabetes mellitus in young. Identifiers: Orphanet 552, MedGen C0342276, MONDO:0018911, HP:0004904.

Allele frequency attached by ClinVar (database versions not stated): gnomAD exomes below 0.00001.

Submissions 1 to 4 of 8:

ClinGen Monogenic Diabetes Variant Curation Expert Panel
Classification: Pathogenic for Monogenic diabetes. Last evaluated: 2022-04-10. Review status: reviewed by expert panel. Criteria: ClinGen Diabetes ACMG Specifications v1 1. Collection method: curation. Allele origin: germline. Inheritance: Autosomal dominant inheritance.
Comment: The c.607C>T variant in the HNF1 homeobox A gene, HNF1A, causes an amino acid change of arginine to cysteine at codon 203 (p.(Arg203Cys)) of NM_000545.8. (PS2; internal lab contributors). Additionally, this variant was identified in eight unrelated individuals with non- autoimmune and non-absolute/near-absolute insulin-deficient diabetes (PS4; PMIDs:15928245, 10078571, 18811724,20393147,23517481, internal lab contributors). The c.607C>T variant resides in an amino acid within the HNF1α DNA binding domain that directly binds DNA, which is defined as critical for the protein’s function by the ClinGen MDEP (PM1), and is absent from gnomAD v2.1.1 (PM2_Supporting). This variant was identified in at least two individuals with a clinical history highly specific for HNF1A-MODY (MODY probability calculator result >50%, negative genetic testing for HNF4A, and sulfonylurea sensitive or antibody negative (PP4_Moderate; internal lab contributors). Another missense variant, c.608G>A (p.Arg203His) has been interpreted as pathogenic by the ClinGen MDEP, and p. Arg203Cys has a greater Grantham distance (PM5). This variant is predicted to be deleterious by computational evidence, with a REVEL score of 0.91, which is greater than the MDEP VCEP threshold of 0.70 (PP3). Lastly, this variant segregated with diabetes, with at least five informative meioses in three families with MODY (PP1_Strong; PMID:18811724; internal lab contributors). Functional studies demonstrated the p.Arg203Cys protein has transactivation 53% of wildtype; however, this is between the ClinGen MDEP cutoffs for PS3_Supporting and BS3_Supporting (PMID: 15522234). In summary, c.607C>T meets the criteria to be classified as pathogenic for monogenic diabetes. ACMG/AMP criteria applied, as specified by the ClinGen MDEP (specification version 1.0, approved 9/30/21): PS2, PS4, PM1, PM2_Supporting, PP4_Moderate, PM5, PP3, PP1_Strong.

Labcorp Genetics (formerly Invitae), Labcorp
Classification: Pathogenic. Last evaluated: 2025-08-22. Review status: criteria provided, single submitter. Criteria: Invitae Variant Classification Sherloc (09022015). Collection method: clinical testing. Allele origin: germline. Not counted in ClinVar's aggregate classification.
Comment: This sequence change replaces arginine, which is basic and polar, with cysteine, which is neutral and slightly polar, at codon 203 of the HNF1A protein (p.Arg203Cys). This variant is present in population databases (no rsID available, gnomAD 0.006%). This missense change has been observed in individuals with clinical features of maturity-onset diabetes of the young (PMID: 10078571, 31363388). It has also been observed to segregate with disease in related individuals. ClinVar contains an entry for this variant (Variation ID: 1338381). Invitae Evidence Modeling of protein sequence and biophysical properties (such as structural, functional, and spatial information, amino acid conservation, physicochemical variation, residue mobility, and thermodynamic stability) has been performed for this missense variant. However, the output from this modeling did not meet the statistical confidence thresholds required to predict the impact of this variant on HNF1A protein function. Experimental studies have shown that this missense change affects HNF1A function (PMID: 10078571). This variant disrupts the p.Arg203 amino acid residue in HNF1A. Other variant(s) that disrupt this residue have been determined to be pathogenic (PMID: 21168233, 30293189; internal data). This suggests that this residue is clinically significant, and that variants that disrupt this residue are likely to be disease-causing. For these reasons, this variant has been classified as Pathogenic.

ARUP Laboratories, Molecular Genetics and Genomics, ARUP Laboratories
Classification: Pathogenic. Last evaluated: 2025-01-16. Review status: criteria provided, single submitter. Criteria: ARUP Molecular Germline Variant Investigation Process 2024. Collection method: clinical testing. Allele origin: germline. Not counted in ClinVar's aggregate classification.
Comment: The HNF1A c.607C>T; p.Arg203Cys variant (rs1180119907, ClinVar Variation ID 1338381) is reported in the literature in numerous individuals and families affected with maturity onset diabetes mellitus in young (MODY) (Colclough 2013, Horikawa 2014, Mirshahi 2022, Plengvidhya 2009, Santos Monteiro 2023). This variant is only observed on one allele in the Genome Aggregation Database (v2.1.1), indicating it is not a common polymorphism. Additionally, other amino acid substitutions at this codon (p.Arg203Ser, p.Arg203His, p.Arg203Gly) have been reported in individuals with MODY and are considered pathogenic (Colclough 2013, Mirshahi 2022).Computational analyses predict that this variant is deleterious (REVEL: 0.91). Based on available information, the c.607C>T; p.Arg203Cys variant is considered to be pathogenic. References: Colclough et al. Mutations in the genes encoding the transcription factors hepatocyte nuclear factor 1 alpha and 4 alpha in maturity-onset diabetes of the young and hyperinsulinemic hypoglycemia. Hum Mutat. 2013 May;34(5):669-85. PMID: 23348805. Horikawa et al. Screening of diabetes of youth for hepatocyte nuclear factor 1 mutations: clinical phenotype of HNF1ÃŸ-related maturity-onset diabetes of the young and HNF1a-related maturity-onset diabetes of the young in Japanese. Diabet Med. 2014 Jun;31(6):721-7. PMID: 24905847. Mirshahi UL et al. Reduced penetrance of MODY-associated HNF1A/HNF4A variants but not GCK variants in clinically unselected cohorts. Am J Hum Genet. 2022 Nov 3. PMID: 36257325. Plengvidhya et al. Mutations of maturity-onset diabetes of the young (MODY) genes in Thais with early-onset type 2 diabetes mellitus. Clin Endocrinol (Oxf). 2009 Jun;70(6):847-53. PMID: 18811724. Santos Monteiro et al. Maturity-onset diabetes of the young in a large Portuguese cohort. Acta Diabetol. 2023 Jan;60(1):83-91. PMID: 36208343

Women's Health and Genetics/Laboratory Corporation of America, LabCorp
Classification: Pathogenic for Maturity-onset diabetes of the young. Last evaluated: 2024-07-11. Review status: criteria provided, single submitter. Criteria: LabCorp Variant Classification Summary - May 2015. Collection method: clinical testing. Allele origin: germline. Not counted in ClinVar's aggregate classification.
Comment: Variant summary: HNF1A c.607C>T (p.Arg203Cys) results in a non-conservative amino acid change located in the Homeodomain (IPR001356) of the encoded protein sequence. Five of five in-silico tools predict a damaging effect of the variant on protein function. The variant allele was found at a frequency of 4e-06 in 251554 control chromosomes. c.607C>T has been reported in the literature in multiple individuals affected with Maturity Onset Diabetes Of The Young 3 (e.g. Yamada_1999, Johansen_2005, Plengvidhya_2008). Additionally, other missense variants affecting the same codon (p.Arg203Leu, p.Arg203Ser, p.Arg203His) have been classified on the pathogenic spectrum in ClinVar. These data indicate that the variant is very likely to be associated with disease. Two publications report experimental evidence evaluating an impact on protein function, indicating a change in protein function (e.g. Yamada_1999, Bjorkhaug_2005). The following publications have been ascertained in the context of this evaluation (PMID: 10078571, 15928245, 12488962, 12488961, 16496320, 16274290, 15726414, 17924661, 18811724). ClinVar contains an entry for this variant (Variation ID: 1338381). Based on the evidence outlined above, the variant was classified as pathogenic.

NM_000545.8(HNF1A):c.607C>T (p.Arg203Cys)

Gene: HNF1A (HNF1 homeobox A; plus strand). Cytogenetic location: 12q24.31.
Variant type: single nucleotide variant.
Coding change: c.607C>T on transcript NM_000545.8 (MANE Select); coding-DNA position 607, C replaced by T.
Protein change: p.Arg203Cys; replaces arginine 203 with cysteine.
Molecular consequence: missense variant.
Genome position (GRCh38, 1-based): chr12:120,993,600, C>T. VCF-style: chr12-120993600-C-T. GRCh37 (hg19) VCF-style: chr12-121431403-C-T.
Other names: NM_001306179.2:c.607C>T; c.607C>T, p.Arg203Cys (NM_001306179.2); c.607C>T (NM_000545.5); short protein forms R203C.
Identifiers: ClinVar variation 1338381 (VCV001338381.18), dbSNP rs1180119907, ClinGen allele CA386964246.